The following is an entry in ClinVar:

NM_000548.5(TSC2):c.2091G>C (p.Leu697Phe)

Gene: TSC2 (TSC complex subunit 2; plus strand). Cytogenetic location: 16p13.3.
Variant type: single nucleotide variant.
Coding change: c.2091G>C on transcript NM_000548.5 (MANE Select); coding-DNA position 2091, G replaced by C.
Protein change: p.Leu697Phe; replaces leucine 697 with phenylalanine.
Molecular consequence: missense variant. On other transcripts: non-coding transcript variant (5).
Genome position (GRCh38, 1-based): chr16:2,071,928, G>C. VCF-style: chr16-2071928-G-C. GRCh37 (hg19) VCF-style: chr16-2121929-G-C.
Other names: c.1944G>C, p.Leu648Phe (NM_001406676.1, NM_001406679.1, NM_001318829.2 and 1 more transcripts); c.2034G>C, p.Leu678Phe (NM_001406677.1); c.1980G>C, p.Leu660Phe (NM_001406678.1, NM_001318827.2, NM_001406670.1); c.1491G>C, p.Leu497Phe (NM_001406680.1, NM_001406682.1, NM_001406683.1 and 6 more transcripts); c.1629G>C, p.Leu543Phe (NM_001406681.1); c.747G>C, p.Leu249Phe (NM_001406695.1, NM_001406696.1, NM_001406697.1 and 6 more transcripts); c.489G>C, p.Leu163Phe (NM_001406698.1); c.2091G>C, p.Leu697Phe (NM_021055.3, NM_001077183.3, NM_001114382.3 and 6 more transcripts); and 3 more; short protein forms L163F, L648F, L678F, L697F, L693F, L708F, L660F, L727F.
Identifiers: ClinVar variation 5031387 (VCV005031387.1).

ClinVar aggregate classification (germline): Uncertain significance (1 of 4 stars; one submission).

Conditions:
Hereditary cancer-predisposing syndrome. Also called: Neoplastic Syndromes, Hereditary; Tumor predisposition; Hereditary neoplastic syndrome; Hereditary Cancer Syndrome. Identifiers: Orphanet 140162, MedGen C0027672, MeSH D009386, MONDO:0015356.

Submission:

Ambry Genetics
Classification: Uncertain significance for Hereditary cancer-predisposing syndrome. Last evaluated: 2026-08-17. Review status: criteria provided, single submitter. Criteria: Ambry Variant Classification Scheme 2023. Collection method: clinical testing. Allele origin: germline.
Comment: The p.L697F variant (also known as c.2091G>C), located in coding exon 18 of the TSC2 gene, results from a G to C substitution at nucleotide position 2091. The leucine at codon 697 is replaced by phenylalanine, an amino acid with highly similar properties. This amino acid position is conserved. In addition, the in silico prediction for this alteration is inconclusive. Based on the available evidence, the clinical significance of this variant remains unclear.